The following is an entry in ClinVar:

ClinVar aggregate classification (germline): Uncertain significance (1 of 4 stars; one submission).

Conditions:
Aicardi-Goutieres syndrome 5. Identifiers: Orphanet 51, MedGen C2749659, MONDO:0013059, OMIM 612952.

Allele frequency attached by ClinVar (database versions not stated): gnomAD 0.00001.
gnomAD v4.1: 3 of 1,612,656 alleles (0.00019%); highest among the groups gnomAD compares: Admixed American, 0.0017%; no homozygotes.

Submission:

Labcorp Genetics (formerly Invitae), Labcorp
Classification: Uncertain significance for Aicardi-Goutieres syndrome 5. Last evaluated: 2024-10-15. Review status: criteria provided, single submitter. Criteria: Invitae Variant Classification Sherloc (09022015). Collection method: clinical testing. Allele origin: germline.
Comment: This sequence change replaces glutamic acid, which is acidic and polar, with glycine, which is neutral and non-polar, at codon 398 of the SAMHD1 protein (p.Glu398Gly). This variant is not present in population databases (gnomAD no frequency). This variant has not been reported in the literature in individuals affected with SAMHD1-related conditions. ClinVar contains an entry for this variant (Variation ID: 1414142). Invitae Evidence Modeling of protein sequence and biophysical properties (such as structural, functional, and spatial information, amino acid conservation, physicochemical variation, residue mobility, and thermodynamic stability) has been performed for this missense variant. However, the output from this modeling did not meet the statistical confidence thresholds required to predict the impact of this variant on SAMHD1 protein function. In summary, the available evidence is currently insufficient to determine the role of this variant in disease. Therefore, it has been classified as a Variant of Uncertain Significance.

NM_015474.4(SAMHD1):c.1193A>G (p.Glu398Gly)

Gene: SAMHD1 (SAM and HD domain containing deoxynucleoside triphosphate triphosphohydrolase 1; minus strand). Cytogenetic location: 20q11.23.
Variant type: single nucleotide variant.
Coding change: c.1193A>G on transcript NM_015474.4 (MANE Select); coding-DNA position 1193, A replaced by G.
Protein change: p.Glu398Gly; replaces glutamic acid 398 with glycine.
Molecular consequence: missense variant.
Genome position (GRCh38, 1-based): chr20:36,911,295, T>C on the plus strand (A>G on the coding strand, the complement: SAMHD1 is on the minus strand). VCF-style: chr20-36911295-T-C. GRCh37 (hg19) VCF-style: chr20-35539698-T-C.
Other names: c.1193A>G, p.Glu398Gly (NM_001363729.2, NM_001363733.2); short protein forms E398G.
Identifiers: ClinVar variation 1414142 (VCV001414142.4), dbSNP rs916801950, ClinGen allele CA314291915.